The following is an entry in ClinVar:

NM_006231.4(POLE):c.1795-3C>A

Gene: POLE (DNA polymerase epsilon, catalytic subunit; minus strand). Cytogenetic location: 12q24.33.
Variant type: single nucleotide variant.
Coding change: c.1795-3C>A on transcript NM_006231.4 (MANE Select); 3 bases into the intron before coding-DNA position 1795, C replaced by A.
Molecular consequence: intron variant.
Genome position (GRCh38, 1-based): chr12:132,668,942, G>T on the plus strand (C>A on the coding strand, the complement: POLE is on the minus strand). VCF-style: chr12-132668942-G-T. GRCh37 (hg19) VCF-style: chr12-133245528-G-T.
Identifiers: ClinVar variation 4672428 (VCV004672428.1).

ClinVar aggregate classification (germline): Uncertain significance (1 of 4 stars; one submission).

Conditions:
Hereditary cancer-predisposing syndrome. Also called: Neoplastic Syndromes, Hereditary; Tumor predisposition; Hereditary Cancer Syndrome; Hereditary neoplastic syndrome. Identifiers: Orphanet 140162, MedGen C0027672, MeSH D009386, MONDO:0015356.

Submission:

Ambry Genetics
Classification: Uncertain significance for Hereditary cancer-predisposing syndrome. Last evaluated: 2025-11-25. Review status: criteria provided, single submitter. Criteria: Ambry Variant Classification Scheme 2023. Collection method: clinical testing. Allele origin: germline.
Comment: The c.1795-3C>A intronic variant results from a C to A substitution 3 nucleotides upstream from coding exon 17 in the POLE gene. This nucleotide position is poorly conserved in available vertebrate species. In silico splice site analysis for this alteration is inconclusive. Based on the available evidence, the clinical significance of this variant remains unclear.